The following is an entry in ClinVar:

ClinVar aggregate classification (germline): Uncertain significance (1 of 4 stars; one submission).

Conditions:
Neuronal ceroid lipofuscinosis. Also called: Neuronal Ceroid Lipofuscinoses. Identifiers: Orphanet 216, Orphanet 79263, MedGen C0027877, MONDO:0016295. Disease mechanism: loss of function.

Submission:

Labcorp Genetics (formerly Invitae), Labcorp
Classification: Uncertain significance for Neuronal ceroid lipofuscinosis. Last evaluated: 2021-06-12. Review status: criteria provided, single submitter. Criteria: Invitae Variant Classification Sherloc (09022015). Collection method: clinical testing. Allele origin: germline.
Comment: Advanced modeling of protein sequence and biophysical properties (such as structural, functional, and spatial information, amino acid conservation, physicochemical variation, residue mobility, and thermodynamic stability) performed at Invitae indicates that this missense variant is expected to disrupt CLN8 protein function. This variant has not been reported in the literature in individuals with CLN8-related conditions. This variant is not present in population databases (ExAC no frequency). This sequence change replaces tryptophan with arginine at codon 195 of the CLN8 protein (p.Trp195Arg). The tryptophan residue is highly conserved and there is a moderate physicochemical difference between tryptophan and arginine. In summary, the available evidence is currently insufficient to determine the role of this variant in disease. Therefore, it has been classified as a Variant of Uncertain Significance.

NM_018941.4(CLN8):c.583T>A (p.Trp195Arg)

Gene: CLN8 (CLN8 transmembrane ER and ERGIC protein; plus strand). Cytogenetic location: 8p23.3.
Variant type: single nucleotide variant.
Coding change: c.583T>A on transcript NM_018941.4 (MANE Select); coding-DNA position 583, T replaced by A.
Protein change: p.Trp195Arg; replaces tryptophan 195 with arginine.
Molecular consequence: missense variant.
Genome position (GRCh38, 1-based): chr8:1,780,289, T>A. VCF-style: chr8-1780289-T-A. GRCh37 (hg19) VCF-style: chr8-1728455-T-A.
Other names: short protein forms W195R.
Identifiers: ClinVar variation 1512278 (VCV001512278.8), dbSNP rs766924857, ClinGen allele CA369953884.